The following is an entry in ClinVar:

NM_003265.3(TLR3):c.2348C>T (p.Ser783Phe)

Gene: TLR3 (toll like receptor 3; plus strand). Cytogenetic location: 4q35.1.
Variant type: single nucleotide variant.
Coding change: c.2348C>T on transcript NM_003265.3 (MANE Select); coding-DNA position 2348, C replaced by T.
Protein change: p.Ser783Phe; replaces serine 783 with phenylalanine.
Molecular consequence: missense variant.
Genome position (GRCh38, 1-based): chr4:186,084,034, C>T. VCF-style: chr4-186084034-C-T. GRCh37 (hg19) VCF-style: chr4-187005188-C-T.
Other names: short protein forms S783F.
Identifiers: ClinVar variation 2797474 (VCV002797474.3), dbSNP rs775443943, ClinGen allele CA3161552.

ClinVar aggregate classification (germline): Uncertain significance (1 of 4 stars; one submission).

Conditions:
Encephalopathy, acute, infection-induced (herpes-specific), susceptibility to, 1. Also called: Herpes simplex encephalitis, susceptibility to, 1. Identifiers: Orphanet 1930, MedGen C2750180, MONDO:0024563, OMIM 610551.

Allele frequency attached by ClinVar (database versions not stated): gnomAD exomes below 0.00001; ExAC 0.00001.
gnomAD v4.1: 1 of 1,614,128 alleles (0.000062%); highest among the groups gnomAD compares: Non-Finnish European, 0.000085%; no homozygotes.

Submission:

Labcorp Genetics (formerly Invitae), Labcorp
Classification: Uncertain significance for Encephalopathy, acute, infection-induced (herpes-specific), susceptibility to, 1. Last evaluated: 2024-04-01. Review status: criteria provided, single submitter. Criteria: Invitae Variant Classification Sherloc (09022015). Collection method: clinical testing. Allele origin: germline.
Comment: This sequence change replaces serine, which is neutral and polar, with phenylalanine, which is neutral and non-polar, at codon 783 of the TLR3 protein (p.Ser783Phe). This variant is present in population databases (rs775443943, gnomAD 0.0009%). This variant has not been reported in the literature in individuals affected with TLR3-related conditions. An algorithm developed to predict the effect of missense changes on protein structure and function (PolyPhen-2) suggests that this variant is likely to be disruptive. In summary, the available evidence is currently insufficient to determine the role of this variant in disease. Therefore, it has been classified as a Variant of Uncertain Significance.